The following is an entry in ClinVar:

ClinVar aggregate classification (germline): Benign/Likely benign. Review status: criteria provided, multiple submitters, no conflicts (2 of 4 stars). 7 submissions from 7 submitters: Benign (1); Likely benign (3). 3 of the submissions do not count toward it. Last evaluated 2026-02-03.

Conditions:
TTN-related disorder. Also called: TTN-related disorders; TTN-related condition; TTN-related disease.
Autosomal recessive limb-girdle muscular dystrophy type 2J (LGMDR10). Also called: Limb-girdle muscular dystrophy, type 2J; MUSCULAR DYSTROPHY, LIMB-GIRDLE, AUTOSOMAL RECESSIVE 10. Identifiers: Orphanet 140922, MedGen C1837342, MONDO:0012127, OMIM 608807.
Dilated cardiomyopathy 1G (CMD1G). Identifiers: Orphanet 154, MedGen C1858763, MONDO:0011400, OMIM 604145.

Allele frequency attached by ClinVar (database versions not stated): gnomAD exomes 0.00008 and 0.00034; gnomAD 0.00099; TOPMed 0.00103; 1000 Genomes Project 0.00120; 1000 Genomes Project 30x 0.00125.
gnomAD v4.1: 239 of 1,259,746 alleles (0.019%); highest among the groups gnomAD compares: African/African-American, 0.33%; 1 homozygote.

Submissions (7):

Labcorp Genetics (formerly Invitae), Labcorp
Classification: Likely benign for Dilated cardiomyopathy 1G; Autosomal recessive limb-girdle muscular dystrophy type 2J. Last evaluated: 2026-02-03. Review status: criteria provided, single submitter. Criteria: Invitae Variant Classification Sherloc (09022015). Collection method: clinical testing. Allele origin: germline.

Molecular Diagnostic Laboratory for Inherited Cardiovascular Disease, Montreal Heart Institute
Classification: Benign. Last evaluated: 2025-04-09. Review status: criteria provided, single submitter. Criteria: ACMG Guidelines, 2015. Collection method: clinical testing. Allele origin: germline. Affected: no.

Blueprint Genetics
Classification: Likely benign. Last evaluated: 2022-11-21. Review status: criteria provided, single submitter. Criteria: ACMG Guidelines, 2015. Collection method: clinical testing. Allele origin: germline.

ARUP Laboratories, Molecular Genetics and Genomics, ARUP Laboratories
Classification: Likely benign. Last evaluated: 2022-03-08. Review status: criteria provided, single submitter. Criteria: ARUP Molecular Germline Variant Investigation Process 2021. Collection method: clinical testing. Allele origin: germline.

PreventionGenetics, part of Exact Sciences
Classification: Likely benign for TTN-related condition. Last evaluated: 2024-06-26. Review status: no assertion criteria provided. Collection method: clinical testing. Allele origin: germline. Not counted in ClinVar's aggregate classification.
Comment: This variant is classified as likely benign based on ACMG/AMP sequence variant interpretation guidelines (Richards et al. 2015 PMID: 25741868, with internal and published modifications).

Clinical Genetics DNA and cytogenetics Diagnostics Lab, Erasmus MC, Erasmus Medical Center
Classification: Benign. Review status: no assertion criteria provided. Collection method: clinical testing. Allele origin: germline. Affected: yes. Study: VKGL Data-share Consensus. Not counted in ClinVar's aggregate classification.

Clinical Genetics, Academic Medical Center
Classification: Benign. Review status: no assertion criteria provided. Collection method: clinical testing. Allele origin: germline. Affected: yes. Study: VKGL Data-share Consensus. Not counted in ClinVar's aggregate classification.

NM_001267550.2(TTN):c.35876-9T>C

Gene: TTN (titin; minus strand). Cytogenetic location: 2q31.2.
Variant type: single nucleotide variant.
Coding change: c.35876-9T>C on transcript NM_001267550.2 (MANE Select); 9 bases into the intron before coding-DNA position 35876, T replaced by C.
Molecular consequence: intron variant.
Genome position (GRCh38, 1-based): chr2:178,665,800, A>G on the plus strand (T>C on the coding strand, the complement: TTN is on the minus strand). VCF-style: chr2-178665800-A-G. GRCh37 (hg19) VCF-style: chr2-179530527-A-G.
Other names: c.13283-23483T>C (NM_003319.4); c.13859-23483T>C (NM_133437.4); c.13658-23483T>C (NM_133432.3); c.31484-2745T>C (NM_133378.4); c.34265-2745T>C (NM_001256850.1).
Identifiers: ClinVar variation 413136 (VCV000413136.20), dbSNP rs572783607, ClinGen allele CA16610509.